The following is an entry in ClinVar:

NM_007254.4(PNKP):c.83G>A (p.Gly28Glu)

Gene: PNKP (polynucleotide kinase 3'-phosphatase; minus strand). Cytogenetic location: 19q13.33.
Variant type: single nucleotide variant.
Coding change: c.83G>A on transcript NM_007254.4 (MANE Select); coding-DNA position 83, G replaced by A.
Protein change: p.Gly28Glu; replaces glycine 28 with glutamic acid.
Molecular consequence: missense variant.
Genome position (GRCh38, 1-based): chr19:49,867,122, C>T on the plus strand (G>A on the coding strand, the complement: PNKP is on the minus strand). VCF-style: chr19-49867122-C-T. GRCh37 (hg19) VCF-style: chr19-50370379-C-T.
Other names: p.G28E:GGG>GAG; short protein forms G28E.
Identifiers: ClinVar variation 206423 (VCV000206423.2), dbSNP rs771064093, ClinGen allele CA316523.

ClinVar aggregate classification (germline): Uncertain significance (1 of 4 stars; one submission).

Allele frequency attached by ClinVar (database versions not stated): gnomAD exomes below 0.00001; TOPMed 0.00001; ExAC 0.00001.
gnomAD v4.1: 6 of 1,613,412 alleles (0.00037%); highest among the groups gnomAD compares: South Asian, 0.0066%; no homozygotes.

Submission:

GeneDx
Classification: Uncertain significance. Last evaluated: 2012-06-20. Review status: criteria provided, single submitter. Criteria: GeneDx Variant Classification (06012015). Collection method: clinical testing. Allele origin: germline. Affected: yes.
Comment: p.Gly28Glu (GGG>GAG): c.83 G>A in exon 2 of the PNKP gene (NM_007254.2) The Gly28Glu missense change has not been published as a mutation, nor has it been reported as a benign polymorphism to our knowledge. The NHLBI ESP Exome Variant Project has not identified Gly28Glu in approximately 5,000 individuals of European or African American ethnicity, indicating that it is not a common benign variant in these populations. The amino acid change is non-conservative, as an uncharged, non-polar Glycine is replaced by a negatively charged Glutamic acid residue. It alters a position in the FHA domain of the PNKP protein that is highly conserved across species but is not conserved in related proteins, and multiple in silico algorithms predict Gly28Glu is not pathogenic. Therefore, based on the currently available information, it is unclear whether Gly28Glu is a disease-causing mutation or a rare benign variant. The variant is found in INFANT-EPI panel(s).